The following is an entry in ClinVar:

NM_002519.3(NPAT):c.1763T>C (p.Val588Ala)

Gene: NPAT (nuclear protein, coactivator of histone transcription; minus strand). Cytogenetic location: 11q22.3.
Variant type: single nucleotide variant.
Coding change: c.1763T>C on transcript NM_002519.3 (MANE Select); coding-DNA position 1763, T replaced by C.
Protein change: p.Val588Ala; replaces valine 588 with alanine.
Molecular consequence: missense variant.
Genome position (GRCh38, 1-based): chr11:108,173,221, A>G on the plus strand (T>C on the coding strand, the complement: NPAT is on the minus strand). VCF-style: chr11-108173221-A-G. GRCh37 (hg19) VCF-style: chr11-108043948-A-G.
Other names: c.1763T>C, p.Val588Ala (NM_001321307.1); short protein forms V588A.
Identifiers: ClinVar variation 1779628 (VCV001779628.2), dbSNP rs2496720001, ClinGen allele CA382514409.
Genomic context (GRCh38, chr11:108,173,221, plus strand): 5'-ACAGGTAGTATTTCACTTTGAAGACAAGAATTATCTTGGCAATTTGATAGCTGTGACATA[A>G]CTGGTTCTAACACATTAATTTCTATTTTACTCTTGTGAACTTCACTAGAATCTGATGACT-3'
Protein context (NP_002510.2, residues 578-598): SKIEINVLEP[Val588Ala]MSQLSNCQDN

ClinVar aggregate classification (germline): Uncertain significance (1 of 4 stars; one submission).

Allele frequency attached by ClinVar (database versions not stated): gnomAD exomes below 0.00001.
gnomAD v4.1: 1 of 1,613,422 alleles (0.000062%); highest among the groups gnomAD compares: Non-Finnish European, 0.000085%; no homozygotes.

Submission:

Ambry Genetics
Classification: Uncertain significance. Last evaluated: 2023-12-14. Review status: criteria provided, single submitter. Criteria: Ambry Variant Classification Scheme 2023. Collection method: clinical testing. Allele origin: germline.
Comment: The p.V588A variant (also known as c.1763T>C), located in coding exon 13 of the NPAT gene, results from a T to C substitution at nucleotide position 1763. The valine at codon 588 is replaced by alanine, an amino acid with similar properties. This amino acid position is conserved. In addition, this alteration is predicted to be tolerated by in silico analysis. Since supporting evidence is limited at this time, the clinical significance of this alteration remains unclear.